The following is an entry in ClinVar:

ClinVar aggregate classification (germline): Benign. Review status: criteria provided, multiple submitters, no conflicts (2 of 4 stars). 2 submissions from 2 submitters: Benign (2). Last evaluated 2018-01-13.

Conditions:
Acyl-CoA oxidase deficiency. Also called: STRAIGHT-CHAIN ACYL-CoA OXIDASE DEFICIENCY; Pseudoneonatal adrenoleukodystrophy; Peroxisomal acyl-CoA oxidase deficiency. Identifiers: Orphanet 2971, MedGen C1849678, MONDO:0009919, OMIM 264470. Disease mechanism: loss of function.

Allele frequency attached by ClinVar (database versions not stated): gnomAD 0.12198 and 0.12341; TOPMed 0.12848; 1000 Genomes Project 0.13958; 1000 Genomes Project 30x 0.14304.

Submissions (2):

Illumina Laboratory Services, Illumina
Classification: Benign for Acyl-CoA oxidase deficiency. Last evaluated: 2018-01-13. Review status: criteria provided, single submitter. Criteria: ICSL Variant Classification Criteria 13 December 2019. Collection method: clinical testing. Allele origin: germline.
Comment: This variant was observed in the ICSL laboratory as part of a predisposition screen in an ostensibly healthy population. It had not been previously curated by ICSL or reported in the Human Gene Mutation Database (HGMD: prior to June 1st, 2018), and was therefore a candidate for classification through an automated scoring system. Utilizing variant allele frequency, disease prevalence and penetrance estimates, and inheritance mode, an automated score was calculated to assess if this variant is too frequent to cause the disease. Based on the score and internal cut-off values, a variant classified as benign is not then subjected to further curation. The score for this variant resulted in a classification of benign for this disease.

Breakthrough Genomics
Classification: Benign. Review status: criteria provided, single submitter. Criteria: ACMG Guidelines, 2015. Collection method: not provided. Allele origin: germline. Inheritance: Autosomal recessive inheritance. Affected: yes.

NM_004035.7(ACOX1):c.*4444G>A

Gene: ACOX1 (acyl-CoA oxidase 1; minus strand). Cytogenetic location: 17q25.1.
Variant type: single nucleotide variant.
Coding change: c.*4444G>A on transcript NM_004035.7 (MANE Select); 4444 bases downstream of the stop codon, G replaced by A.
Molecular consequence: 3 prime UTR variant.
Genome position (GRCh38, 1-based): chr17:75,942,304, C>T on the plus strand (G>A on the coding strand, the complement: ACOX1 is on the minus strand). VCF-style: chr17-75942304-C-T. GRCh37 (hg19) VCF-style: chr17-73938385-C-T.
Other names: c.*4444G>A (NM_001185039.2, NM_007292.6).
Identifiers: ClinVar variation 325307 (VCV000325307.6), dbSNP rs7207656, ClinGen allele CA10650202.
Genomic context (GRCh38, chr17:75,942,304, plus strand): 5'-CTTGGTGAAACCCCTGTCTCTACTAAAAATACAAAAAAACTAGACAGGCATGGTGGCAGG[C>T]GCTGTAATCCCAGCTTCTCAGGAGGCTGAGGCAGAGAATTGCTTGAACCCGGGAGGCAGA-3'